The following is an entry in ClinVar:

ClinVar aggregate classification (germline): Uncertain significance (1 of 4 stars; one submission).

Allele frequency attached by ClinVar (database versions not stated): TOPMed below 0.00001; gnomAD 0.00001.
gnomAD v4.1: 1 of 1,613,604 alleles (0.000062%); highest among the groups gnomAD compares: African/African-American, 0.0013%; no homozygotes.

Submission:

Labcorp Genetics (formerly Invitae), Labcorp
Classification: Uncertain significance. Last evaluated: 2022-03-09. Review status: criteria provided, single submitter. Criteria: Invitae Variant Classification Sherloc (09022015). Collection method: clinical testing. Allele origin: germline.
Comment: This sequence change falls in intron 2 of the MSH3 gene. It does not directly change the encoded amino acid sequence of the MSH3 protein. It affects a nucleotide within the consensus splice site. In summary, the available evidence is currently insufficient to determine the role of this variant in disease. Therefore, it has been classified as a Variant of Uncertain Significance. Variants that disrupt the consensus splice site are a relatively common cause of aberrant splicing (PMID: 17576681, 9536098). Algorithms developed to predict the effect of sequence changes on RNA splicing suggest that this variant is not likely to affect RNA splicing. This variant has not been reported in the literature in individuals affected with MSH3-related conditions. This variant is present in population databases (no rsID available, gnomAD 0.01%).

Literature cited by the submitters: PubMed 17576681; PubMed 9536098.

NM_002439.5(MSH3):c.358+6T>C

Gene: MSH3 (mutS homolog 3; plus strand). Cytogenetic location: 5q14.1.
Variant type: single nucleotide variant.
Coding change: c.358+6T>C on transcript NM_002439.5 (MANE Select); 6 bases into the intron after coding-DNA position 358, T replaced by C.
Molecular consequence: intron variant.
Genome position (GRCh38, 1-based): chr5:80,656,537, T>C. VCF-style: chr5-80656537-T-C. GRCh37 (hg19) VCF-style: chr5-79952356-T-C.
Identifiers: ClinVar variation 2108100 (VCV002108100.4), dbSNP rs1490135598, ClinGen allele CA560559034.
Genomic context (GRCh38, chr5:80,656,537, plus strand): 5'-AAGAAAGTCCAACAAAAGGAAGGAGGAAGTGATCTGGGAATGTCTGGCAACTCTGGTGAG[T>C]TGTGGGGGATTCTTTTTTCTCCTCAGTCATGGCTCTGGTATTCTGGAATTCTCCAGAGGG-3'